The following is an entry in ClinVar:

NM_032892.5(FRMD5):c.1223_1237del (p.Ser408_Ser412del)

Gene: FRMD5 (FERM domain containing 5; minus strand). Cytogenetic location: 15q15.3.
Variant type: Deletion.
Coding change: c.1223_1237del on transcript NM_032892.5 (MANE Select); coding-DNA positions 1223 to 1237, 15 bases deleted (GCCGGACAGATAGCA).
Protein change: p.Ser408_Ser412del.
Molecular consequence: inframe deletion. On other transcripts: non-coding transcript variant (1).
Genome position (GRCh38, 1-based): chr15:43,874,361-43,874,375, TGCTATCTGTCCGGC deleted on the plus strand (GCCGGACAGATAGCA on the coding strand, the reverse complement: FRMD5 is on the minus strand); deleting any 15 consecutive bases within chr15:43,874,361-43,874,379 gives the same sequence; the c. name uses the placement nearest the transcript's 3' end. VCF-style (leftmost placement, unchanged base first): chr15-43874360-TTGCTATCTGTCCGGC-T. GRCh37 (hg19) VCF-style: chr15-44166558-TTGCTATCTGTCCGGC-T.
Other names: c.941_955del, p.Ser314_Ser318del (NM_001286490.2); c.521_535del, p.Ser174_Ser178del (NM_001286491.2); c.1223_1237del, p.Ser408_Ser412del (NM_001322949.2, NM_001322950.2, NM_001411124.1); c.1118_1132del, p.Ser373_Ser377del (NM_001322951.2).
Identifiers: ClinVar variation 4057124 (VCV004057124.1).
Genomic context (GRCh38, chr15:43,874,360, plus strand): 5'-GTGGGCAGCACGCTGTCTGCAGGGCTGTAGGCCTCGTCTGCAATCACAGCTACTCGCTCA[TTGCTATCTGTCCGGC>T]TGCTTCTCACGTGAGGCAGGAAGGTGTCCCCATGGGAAGTGGAACGCACTGGTGTGGAAT-3'

ClinVar aggregate classification (germline): Uncertain significance (1 of 4 stars; one submission).

Submission:

GeneDx
Classification: Uncertain significance. Last evaluated: 2025-01-09. Review status: criteria provided, single submitter. Criteria: GeneDx Variant Classification Process June 2021. Collection method: clinical testing. Allele origin: germline. Affected: yes.
Comment: Not observed at significant frequency in large population cohorts (gnomAD); In-frame deletion of 5 amino acids in a non-repeat region; In silico analysis supports a deleterious effect on protein structure/function; Has not been previously published as pathogenic or benign to our knowledge